The following is an entry in ClinVar:

ClinVar aggregate classification (germline): Uncertain significance (1 of 4 stars; one submission).

Conditions:
Catecholaminergic polymorphic ventricular tachycardia 1. Also called: RYR2-Related Catecholaminergic Polymorphic Ventricular Tachycardia; VENTRICULAR TACHYCARDIA, CATECHOLAMINERGIC POLYMORPHIC, 1, WITH OR WITHOUT ATRIAL DYSFUNCTION AND/OR DILATED CARDIOMYOPATHY; VENTRICULAR TACHYCARDIA, STRESS-INDUCED POLYMORPHIC 1. Identifiers: Orphanet 3286, MedGen C1631597, MONDO:0011484, OMIM 604772.

Allele frequency attached by ClinVar (database versions not stated): TOPMed below 0.00001.

Submission:

Labcorp Genetics (formerly Invitae), Labcorp
Classification: Uncertain significance for Catecholaminergic polymorphic ventricular tachycardia 1. Last evaluated: 2022-02-23. Review status: criteria provided, single submitter. Criteria: Invitae Variant Classification Sherloc (09022015). Collection method: clinical testing. Allele origin: germline.
Comment: In summary, the available evidence is currently insufficient to determine the role of this variant in disease. Therefore, it has been classified as a Variant of Uncertain Significance. Variants that disrupt the consensus splice site are a relatively common cause of aberrant splicing (PMID: 17576681, 9536098). Algorithms developed to predict the effect of sequence changes on RNA splicing suggest that this variant is not likely to affect RNA splicing. ClinVar contains an entry for this variant (Variation ID: 567805). This variant has not been reported in the literature in individuals affected with TRDN-related conditions. This variant is not present in population databases (gnomAD no frequency). This sequence change falls in intron 36 of the TRDN gene. It does not directly change the encoded amino acid sequence of the TRDN protein. It affects a nucleotide within the consensus splice site.

Literature cited by the submitters: PubMed 17576681; PubMed 9536098.

NM_006073.4(TRDN):c.1906+6T>C

Gene: TRDN (triadin; minus strand). Cytogenetic location: 6q22.31.
Variant type: single nucleotide variant.
Coding change: c.1906+6T>C on transcript NM_006073.4 (MANE Select); 6 bases into the intron after coding-DNA position 1906, T replaced by C.
Molecular consequence: intron variant.
Genome position (GRCh38, 1-based): chr6:123,255,861, A>G on the plus strand (T>C on the coding strand, the complement: TRDN is on the minus strand). VCF-style: chr6-123255861-A-G. GRCh37 (hg19) VCF-style: chr6-123577006-A-G.
Identifiers: ClinVar variation 567805 (VCV000567805.10), dbSNP rs1562232511, ClinGen allele CA891843064.